The following is an entry in ClinVar:

NM_003705.5(SLC25A12):c.1705C>T (p.Arg569Trp)

Gene: SLC25A12 (solute carrier family 25 member 12; minus strand). Cytogenetic location: 2q31.1.
Variant type: single nucleotide variant.
Coding change: c.1705C>T on transcript NM_003705.5 (MANE Select); coding-DNA position 1705, C replaced by T.
Protein change: p.Arg569Trp; replaces arginine 569 with tryptophan.
Molecular consequence: missense variant. On other transcripts: non-coding transcript variant (1).
Genome position (GRCh38, 1-based): chr2:171,787,828, G>A on the plus strand (C>T on the coding strand, the complement: SLC25A12 is on the minus strand). VCF-style: chr2-171787828-G-A. GRCh37 (hg19) VCF-style: chr2-172644338-G-A.
Other names: short protein forms R569W.
Identifiers: ClinVar variation 1367223 (VCV001367223.6), dbSNP rs1378635484, ClinGen allele CA349287781.

ClinVar aggregate classification (germline): Uncertain significance (1 of 4 stars; one submission).

Allele frequency attached by ClinVar (database versions not stated): gnomAD 0.00001; gnomAD exomes 0.00001; TOPMed 0.00001.
gnomAD v4.1: 20 of 1,614,048 alleles (0.0012%); highest among the groups gnomAD compares: Admixed American, 0.0017%; no homozygotes.

Submission:

Labcorp Genetics (formerly Invitae), Labcorp
Classification: Uncertain significance. Last evaluated: 2022-07-05. Review status: criteria provided, single submitter. Criteria: Invitae Variant Classification Sherloc (09022015). Collection method: clinical testing. Allele origin: germline.
Comment: This variant is present in population databases (no rsID available, gnomAD 0.003%). This variant has not been reported in the literature in individuals affected with SLC25A12-related conditions. ClinVar contains an entry for this variant (Variation ID: 1367223). Algorithms developed to predict the effect of missense changes on protein structure and function are either unavailable or do not agree on the potential impact of this missense change (SIFT: "Deleterious"; PolyPhen-2: "Possibly Damaging"; Align-GVGD: "Class C0"). In summary, the available evidence is currently insufficient to determine the role of this variant in disease. Therefore, it has been classified as a Variant of Uncertain Significance. This sequence change replaces arginine, which is basic and polar, with tryptophan, which is neutral and slightly polar, at codon 569 of the SLC25A12 protein (p.Arg569Trp).